The following is an entry in ClinVar:

NM_000545.8(HNF1A):c.*39G>T

Genes: C12orf43 (chromosome 12 open reading frame 43; minus strand), HNF1A (HNF1 homeobox A; plus strand). Cytogenetic location: 12q24.31.
Variant type: single nucleotide variant.
Coding change: c.*39G>T on transcript NM_000545.8 (MANE Select); 39 bases downstream of the stop codon, G replaced by T.
Molecular consequence: 3 prime UTR variant.
Genome position (GRCh38, 1-based): chr12:121,001,231, G>T. VCF-style: chr12-121001231-G-T. GRCh37 (hg19) VCF-style: chr12-121439034-G-T.
Other names: c.*2922C>A (NM_001286191.2, NM_001286196.2, NM_022895.3); c.*39G>T (NM_001306179.2, NM_001406915.1).
Identifiers: ClinVar variation 1727226 (VCV001727226.1), dbSNP rs758414199, ClinGen allele CA6832223.

ClinVar aggregate classification (germline): Benign (1 of 4 stars; one submission).

Conditions:
Maturity-onset diabetes of the young (MODY). Also called: Maturity onset diabetes mellitus in young. Identifiers: Orphanet 552, MedGen C0342276, MONDO:0018911, HP:0004904.

Allele frequency attached by ClinVar (database versions not stated): ExAC 0.00002.
gnomAD v4.1: 6 of 1,610,100 alleles (0.00037%); highest among the groups gnomAD compares: Admixed American, 0.0017%; no homozygotes.

Submission:

Clinical Genomics, Uppaluri K&H Personalized Medicine Clinic
Classification: Benign for Maturity-onset diabetes of the young. Review status: criteria provided, single submitter. Criteria: K & H Uppaluri Personalized Medicine Clinic Variant Classification & Assertion Criteria_Updated V.1. Collection method: research. Allele origin: unknown. Inheritance: Autosomal dominant inheritance.
Comment: Mutations in HNF1A gene can predispose to MODY3. It is associated with both micro and macrovascular complications of diabetes, especially cardiovascular complications. Associated with glucosuria. May respond well to sulfonylureas. However, more evidence is required to confer the association of this particular variant rs758414199 with MODY3.

Literature cited by the submitters: PubMed 31517624; PubMed 32395877; PubMed 35328643; PubMed 35673428.